The following is an entry in ClinVar:

ClinVar aggregate classification (germline): Likely pathogenic (1 of 4 stars; one submission).

Submission:

GeneDx
Classification: Likely pathogenic. Last evaluated: 2016-02-09. Review status: criteria provided, single submitter. Criteria: GeneDx Variant Classification (06012015). Collection method: clinical testing. Allele origin: germline. Affected: yes.
Comment: The S1176X variant in the POLG gene has not been reported previously as a pathogenic variant nor as a benign variant, to our knowledge. This variant is predicted to cause loss of normal protein function either through protein truncation or nonsense-mediated mRNA decay. The S1176X variant was not observed in approximately 6500 individuals of European and African American ancestry in the NHLBI Exome Sequencing Project, indicating it is not a common benign variant in these populations. We interpret S1176X as a likely pathogenic variant, however the possibility it may be a rare benign variant cannot be excluded.

NM_002693.3(POLG):c.3527C>A (p.Ser1176Ter)

Genes: POLG (DNA polymerase gamma, catalytic subunit; minus strand), POLGARF (POLG alternative reading frame; minus strand). Cytogenetic location: 15q26.1.
Variant type: single nucleotide variant.
Coding change: c.3527C>A on transcript NM_002693.3 (MANE Select); coding-DNA position 3527, C replaced by A.
Protein change: p.Ser1176Ter; replaces serine 1176 with a stop codon.
Molecular consequence: nonsense.
Genome position (GRCh38, 1-based): chr15:89,317,492, G>T on the plus strand (C>A on the coding strand, the complement: POLG is on the minus strand). VCF-style: chr15-89317492-G-T. GRCh37 (hg19) VCF-style: chr15-89860723-G-T.
Other names: c.3527C>A, p.Ser1176Ter (NM_001126131.2); short protein forms S1176*.
Identifiers: ClinVar variation 383185 (VCV000383185.2), dbSNP rs776031396, ClinGen allele CA16607896.